The following is an entry in ClinVar:

NM_000143.4(FH):c.28C>G (p.Arg10Gly)

Gene: FH (fumarate hydratase; minus strand). Cytogenetic location: 1q43.
Variant type: single nucleotide variant.
Coding change: c.28C>G on transcript NM_000143.4 (MANE Select); coding-DNA position 28, C replaced by G.
Protein change: p.Arg10Gly; replaces arginine 10 with glycine.
Molecular consequence: missense variant.
Genome position (GRCh38, 1-based): chr1:241,519,695, G>C on the plus strand (C>G on the coding strand, the complement: FH is on the minus strand). VCF-style: chr1-241519695-G-C. GRCh37 (hg19) VCF-style: chr1-241682995-G-C.
Other names: short protein forms R10G.
Identifiers: ClinVar variation 3252639 (VCV003252639.5), dbSNP rs201507555.

ClinVar aggregate classification (germline): Uncertain significance. Review status: criteria provided, multiple submitters, no conflicts (2 of 4 stars). 4 submissions from 4 submitters: Uncertain significance (4). Last evaluated 2025-07-24.

Conditions:
Hereditary cancer-predisposing syndrome. Also called: Hereditary neoplastic syndrome; Neoplastic Syndromes, Hereditary; Tumor predisposition; Hereditary Cancer Syndrome. Identifiers: Orphanet 140162, MedGen C0027672, MeSH D009386, MONDO:0015356.

gnomAD v4.1: 1 of 1,546,744 alleles (0.000065%); highest among the groups gnomAD compares: South Asian, 0.0012%; no homozygotes.

Submissions (4):

Ambry Genetics
Classification: Uncertain significance for Hereditary cancer-predisposing syndrome. Last evaluated: 2025-07-24. Review status: criteria provided, single submitter. Criteria: Ambry Variant Classification Scheme 2023. Collection method: clinical testing. Allele origin: germline.
Comment: The p.R10G variant (also known as c.28C>G), located in coding exon 1 of the FH gene, results from a C to G substitution at nucleotide position 28. The arginine at codon 10 is replaced by glycine, an amino acid with dissimilar properties. This amino acid position is conserved. In addition, this alteration is predicted to be deleterious by in silico analysis. Based on the available evidence, the clinical significance of this variant remains unclear.

Labcorp Genetics (formerly Invitae), Labcorp
Classification: Uncertain significance. Last evaluated: 2025-06-15. Review status: criteria provided, single submitter. Criteria: Invitae Variant Classification Sherloc (09022015). Collection method: clinical testing. Allele origin: germline.
Comment: This sequence change replaces arginine, which is basic and polar, with glycine, which is neutral and non-polar, at codon 10 of the FH protein (p.Arg10Gly). This variant is not present in population databases (gnomAD no frequency). This variant has not been reported in the literature in individuals affected with FH-related conditions. ClinVar contains an entry for this variant (Variation ID: 3252639). Invitae Evidence Modeling of protein sequence and biophysical properties (such as structural, functional, and spatial information, amino acid conservation, physicochemical variation, residue mobility, and thermodynamic stability) indicates that this missense variant is not expected to disrupt FH protein function with a negative predictive value of 95%. In summary, the available evidence is currently insufficient to determine the role of this variant in disease. Therefore, it has been classified as a Variant of Uncertain Significance.

Quest Diagnostics Nichols Institute San Juan Capistrano
Classification: Uncertain significance. Last evaluated: 2025-02-26. Review status: criteria provided, single submitter. Criteria: Quest Diagnostics criteria. Collection method: clinical testing. Allele origin: unknown.
Comment: The FH c.28C>G (p.Arg10Gly) variant has not been reported in individuals with FH-related conditions in the published literature. It also has not been reported in large, multi-ethnic general populations (Genome Aggregation Database). Analysis of this variant using bioinformatics tools for the prediction of the effect of amino acid changes on protein structure and function yielded predictions that this variant is benign. Based on the available information, we are unable to determine the clinical significance of this variant.

GeneDx
Classification: Uncertain significance. Last evaluated: 2023-10-03. Review status: criteria provided, single submitter. Criteria: GeneDx Variant Classification Process June 2021. Collection method: clinical testing. Allele origin: germline. Affected: yes.
Comment: Not observed at significant frequency in large population cohorts (gnomAD); In silico analysis supports that this missense variant does not alter protein structure/function; Has not been previously published as pathogenic or benign to our knowledge